The following is an entry in ClinVar:

ClinVar aggregate classification (germline): Uncertain significance (1 of 4 stars; one submission).

Conditions:
Hereditary cancer-predisposing syndrome. Also called: Neoplastic Syndromes, Hereditary; Tumor predisposition; Hereditary Cancer Syndrome; Hereditary neoplastic syndrome. Identifiers: Orphanet 140162, MedGen C0027672, MeSH D009386, MONDO:0015356.

Submissions (2):

Color Diagnostics, LLC DBA Color Health
Classification: Uncertain significance for Hereditary cancer-predisposing syndrome. Last evaluated: 2025-07-02. Review status: criteria provided, single submitter. Criteria: ACMG Guidelines, 2015. Collection method: clinical testing. Allele origin: germline.
Comment: This missense variant replaces methionine with isoleucine at codon 1728 of the BRCA1 protein. Computational prediction suggests that this variant may not impact protein structure and function. A functional study has shown that this variant does not impact BRCA1 function in a haploid cell proliferation assay (PMID: 30209399). To our knowledge, this variant has not been reported in individuals affected with BRCA1-related disorders in the literature. This variant has not been identified in the general population by the Genome Aggregation Database (gnomAD). The available evidence is insufficient to determine the role of this variant in disease conclusively. Therefore, this variant is classified as a Variant of Uncertain Significance.

Brotman Baty Institute, University of Washington
No classification provided (evidence only). Condition: Breast-ovarian cancer, familial 1. Review status: no classification provided. Collection method: in vitro. Allele origin: not applicable. Functional consequence: functionally_normal. Not counted in ClinVar's aggregate classification.
ClinVar note: "not provided" was previously submitted as the classification for the variant. However, the classification appeared to be based only on an observation of functional data so it was converted to no classification on 2025-07-30.

Literature cited by the submitters: PubMed 30209399 (cited by Color Diagnostics, LLC DBA Color Health).

NM_007294.4(BRCA1):c.5184G>A (p.Met1728Ile)

Gene: BRCA1 (BRCA1 DNA repair associated; minus strand). Cytogenetic location: 17q21.31.
Variant type: single nucleotide variant.
Coding change: c.5184G>A on transcript NM_007294.4 (MANE Select); coding-DNA position 5184, G replaced by A.
Protein change: p.Met1728Ile; replaces methionine 1728 with isoleucine.
Molecular consequence: missense variant. On other transcripts: non-coding transcript variant (1).
Genome position (GRCh38, 1-based): chr17:43,063,342, C>T on the plus strand (G>A on the coding strand, the complement: BRCA1 is on the minus strand). VCF-style: chr17-43063342-C-T. GRCh37 (hg19) VCF-style: chr17-41215359-C-T.
Other names: c.4971G>A, p.Met1657Ile (NM_001407571.1, NM_001407900.1, NM_001407902.1 and 12 more transcripts); c.5250G>A, p.Met1750Ile (NM_001407581.1, NM_001407582.1); c.5247G>A, p.Met1749Ile (NM_001407583.1, NM_001407585.1, NM_001407587.1 and 1 more transcripts); c.5181G>A, p.Met1727Ile (NM_001407610.1, NM_001407611.1, NM_001407612.1 and 17 more transcripts); c.5178G>A, p.Met1726Ile (NM_001407629.1, NM_001407630.1, NM_001407631.1 and 14 more transcripts); c.5124G>A, p.Met1708Ile (NM_001407649.1); c.5106G>A, p.Met1702Ile (NM_001407652.1, NM_001407653.1, NM_001407654.1 and 1 more transcripts); c.5103G>A, p.Met1701Ile (NM_001407656.1, NM_001407657.1, NM_001407658.1); and 72 more; short protein forms M1681I, M1749I, M624I, M1728I, M1431I, M1574I, M1600I, M1601I.
Identifiers: ClinVar variation 867781 (VCV000867781.4), dbSNP rs2051857855, ClinGen allele CA10591174.